The following is an entry in ClinVar:

NM_001999.4(FBN2):c.80C>A (p.Ala27Asp)

Gene: FBN2 (fibrillin 2; minus strand). Cytogenetic location: 5q23.3.
Variant type: single nucleotide variant.
Coding change: c.80C>A on transcript NM_001999.4 (MANE Select); coding-DNA position 80, C replaced by A.
Protein change: p.Ala27Asp; replaces alanine 27 with aspartic acid.
Molecular consequence: missense variant.
Genome position (GRCh38, 1-based): chr5:128,537,524, G>T on the plus strand (C>A on the coding strand, the complement: FBN2 is on the minus strand). VCF-style: chr5-128537524-G-T. GRCh37 (hg19) VCF-style: chr5-127873217-G-T.
Other names: short protein forms A27D.
Identifiers: ClinVar variation 2732588 (VCV002732588.4), dbSNP rs1188867955, ClinGen allele CA360763046.

ClinVar aggregate classification (germline): Uncertain significance. Review status: criteria provided, multiple submitters, no conflicts (2 of 4 stars). 2 submissions from 2 submitters: Uncertain significance (2). Last evaluated 2025-09-30.

Conditions:
Congenital contractural arachnodactyly (CCA). Also called: Beals-Hecht syndrome; BEALS SYNDROME; Arthrogryposis, distal, type 9. Identifiers: Orphanet 115, MedGen C0220668, MONDO:0007363, OMIM 121050.

Allele frequency attached by ClinVar (database versions not stated): gnomAD 0.00001.
gnomAD v4.1: 1 of 1,578,724 alleles (0.000063%); highest among the groups gnomAD compares: Non-Finnish European, 0.000086%; no homozygotes.

Submissions (2):

Women's Health and Genetics/Laboratory Corporation of America, LabCorp
Classification: Uncertain significance. Last evaluated: 2025-09-30. Review status: criteria provided, single submitter. Criteria: LabCorp Variant Classification Summary - May 2015. Collection method: clinical testing. Allele origin: germline.

Labcorp Genetics (formerly Invitae), Labcorp
Classification: Uncertain significance for Congenital contractural arachnodactyly. Last evaluated: 2025-03-10. Review status: criteria provided, single submitter. Criteria: Invitae Variant Classification Sherloc (09022015). Collection method: clinical testing. Allele origin: germline.
Comment: This sequence change replaces alanine, which is neutral and non-polar, with aspartic acid, which is acidic and polar, at codon 27 of the FBN2 protein (p.Ala27Asp). This variant is not present in population databases (gnomAD no frequency). This variant has not been reported in the literature in individuals affected with FBN2-related conditions. ClinVar contains an entry for this variant (Variation ID: 2732588). Invitae Evidence Modeling of protein sequence and biophysical properties (such as structural, functional, and spatial information, amino acid conservation, physicochemical variation, residue mobility, and thermodynamic stability) indicates that this missense variant is not expected to disrupt FBN2 protein function with a negative predictive value of 95%. In summary, the available evidence is currently insufficient to determine the role of this variant in disease. Therefore, it has been classified as a Variant of Uncertain Significance.